The following is an entry in ClinVar:

NM_001144967.3(NEDD4L):c.1868A>C (p.His623Pro)

Gene: NEDD4L (NEDD4 like E3 ubiquitin protein ligase; plus strand). Cytogenetic location: 18q21.31.
Variant type: single nucleotide variant.
Coding change: c.1868A>C on transcript NM_001144967.3 (MANE Select); coding-DNA position 1868, A replaced by C.
Protein change: p.His623Pro; replaces histidine 623 with proline.
Molecular consequence: missense variant.
Genome position (GRCh38, 1-based): chr18:58,366,033, A>C. VCF-style: chr18-58366033-A-C. GRCh37 (hg19) VCF-style: chr18-56033265-A-C.
Other names: c.1505A>C, p.His502Pro (NM_001144964.1, NM_001144965.2, NM_001144966.3); c.1844A>C, p.His615Pro (NM_001144968.2); c.1784A>C, p.His595Pro (NM_001144969.2); c.1445A>C, p.His482Pro (NM_001144970.3, NM_001144971.2); c.1676A>C, p.His559Pro (NM_001243960.2); c.2705A>C, p.His902Pro (NM_001437337.1); c.1808A>C, p.His603Pro (NM_015277.6); short protein forms H623P, H559P, H603P, H615P, H502P, H482P, H595P, H902P.
Identifiers: ClinVar variation 4741997 (VCV004741997.1).

ClinVar aggregate classification (germline): Uncertain significance (1 of 4 stars; one submission).

gnomAD v4.1: 1 of 1,612,304 alleles (0.000062%); highest among the groups gnomAD compares: Admixed American, 0.0017%; no homozygotes.

Submission:

Labcorp Genetics (formerly Invitae), Labcorp
Classification: Uncertain significance. Last evaluated: 2025-06-09. Review status: criteria provided, single submitter. Criteria: Invitae Variant Classification Sherloc (09022015). Collection method: clinical testing. Allele origin: germline.
Comment: This sequence change replaces histidine, which is basic and polar, with proline, which is neutral and non-polar, at codon 603 of the NEDD4L protein (p.His603Pro). This variant is not present in population databases (gnomAD no frequency). This variant has not been reported in the literature in individuals affected with NEDD4L-related conditions. Invitae Evidence Modeling of protein sequence and biophysical properties (such as structural, functional, and spatial information, amino acid conservation, physicochemical variation, residue mobility, and thermodynamic stability) indicates that this missense variant is not expected to disrupt NEDD4L protein function with a negative predictive value of 80%. In summary, the available evidence is currently insufficient to determine the role of this variant in disease. Therefore, it has been classified as a Variant of Uncertain Significance.